The following is an entry in ClinVar:

ClinVar aggregate classification (germline): Likely benign (0 of 4 stars; one submission).

Conditions:
DMPK-related disorder. Also called: DMPK-related condition.

Allele frequency attached by ClinVar (database versions not stated): ExAC 0.00019; ESP Exome Variant Server 0.00046; gnomAD 0.00066; TOPMed 0.00066.
gnomAD v4.1: 185 of 1,613,842 alleles (0.011%); highest among the groups gnomAD compares: African/African-American, 0.21%; no homozygotes.

Submission:

PreventionGenetics, part of Exact Sciences
Classification: Likely benign for DMPK-related condition. Last evaluated: 2019-04-16. Review status: no assertion criteria provided. Collection method: clinical testing. Allele origin: germline.
Comment: This variant is classified as likely benign based on ACMG/AMP sequence variant interpretation guidelines (Richards et al. 2015 PMID: 25741868, with internal and published modifications).

NM_004409.5(DMPK):c.267G>A (p.Lys89=)

Gene: DMPK (DM1 protein kinase; minus strand). Cytogenetic location: 19q13.32.
Variant type: single nucleotide variant.
Coding change: c.267G>A on transcript NM_004409.5 (MANE Select); coding-DNA position 267, G replaced by A.
Protein change: p.Lys89=; no amino-acid change (lysine 89 retained).
Molecular consequence: synonymous variant. On other transcripts: 5 prime UTR variant (2).
Genome position (GRCh38, 1-based): chr19:45,779,508, C>T on the plus strand (G>A on the coding strand, the complement: DMPK is on the minus strand). VCF-style: chr19-45779508-C-T. GRCh37 (hg19) VCF-style: chr19-46282766-C-T.
Other names: c.267G>A, p.Lys89= (NM_001081560.3, NM_001081562.3, NM_001288766.2 and 5 more transcripts); c.297G>A, p.Lys99= (NM_001081563.3); c.345G>A, p.Lys115= (NM_001288764.2, NM_001424163.1); c.-1G>A (NM_001288765.2); c.-224G>A (NM_001424166.1).
Identifiers: ClinVar variation 3047270 (VCV003047270.2), dbSNP rs113426968, ClinGen allele CA9521586.